The following is an entry in ClinVar:

NM_139027.6(ADAMTS13):c.1188C>G (p.Cys396Trp)

Gene: ADAMTS13 (ADAM metallopeptidase with thrombospondin type 1 motif 13; plus strand). Cytogenetic location: 9q34.2.
Variant type: single nucleotide variant.
Coding change: c.1188C>G on transcript NM_139027.6 (MANE Select); coding-DNA position 1188, C replaced by G.
Protein change: p.Cys396Trp; replaces cysteine 396 with tryptophan.
Molecular consequence: missense variant.
Genome position (GRCh38, 1-based): chr9:133,433,473, C>G. VCF-style: chr9-133433473-C-G. GRCh37 (hg19) VCF-style: chr9-136298593-C-G.
Other names: p.Cys396Trp; c.1188C>G (NM_139025.3); c.1188C>G, p.Cys396Trp (NM_139025.5); c.1095C>G, p.Cys365Trp (NM_139026.6); short protein forms C365W, C396W.
Identifiers: ClinVar variation 1407131 (VCV001407131.10), dbSNP rs1840934191, ClinGen allele CA375389474.

ClinVar aggregate classification (germline): Conflicting classifications of pathogenicity. Review status: criteria provided, conflicting classifications (1 of 4 stars). 4 submissions from 4 submitters: Likely pathogenic (1); Uncertain significance (3). Last evaluated 2024-02-13.

Conditions:
Inborn genetic diseases. Identifiers: MedGen C0950123, MeSH D030342.
Upshaw-Schulman syndrome (TTP). Also called: THROMBOTIC THROMBOCYTOPENIC PURPURA, HEREDITARY; Congenital thrombotic thrombocytopenic purpura. Identifiers: Orphanet 93583, MedGen C1268935, MONDO:0010122, OMIM 274150.

Submissions (4):

Mayo Clinic Laboratories, Mayo Clinic
Classification: Likely pathogenic. Last evaluated: 2024-02-13. Review status: criteria provided, single submitter. Criteria: ACMG Guidelines, 2015. Collection method: clinical testing. Allele origin: germline. Observed: 1 variant allele.
Comment: PP3, PM1, PM2, PM5

Ambry Genetics
Classification: Uncertain significance for Inborn genetic diseases. Last evaluated: 2023-12-22. Review status: criteria provided, single submitter. Criteria: Ambry Variant Classification Scheme 2023. Collection method: clinical testing. Allele origin: germline.

Fulgent Genetics
Classification: Uncertain significance for Upshaw-Schulman syndrome. Last evaluated: 2021-11-29. Review status: criteria provided, single submitter. Criteria: ACMG Guidelines, 2015. Collection method: clinical testing. Allele origin: unknown.

Labcorp Genetics (formerly Invitae), Labcorp
Classification: Uncertain significance. Last evaluated: 2021-04-11. Review status: criteria provided, single submitter. Criteria: Invitae Variant Classification Sherloc (09022015). Collection method: clinical testing. Allele origin: germline.
Comment: This sequence change replaces cysteine with tryptophan at codon 396 of the ADAMTS13 protein (p.Cys396Trp). The cysteine residue is highly conserved and there is a large physicochemical difference between cysteine and tryptophan. This variant is not present in population databases (ExAC no frequency). In summary, the available evidence is currently insufficient to determine the role of this variant in disease. Therefore, it has been classified as a Variant of Uncertain Significance. Algorithms developed to predict the effect of missense changes on protein structure and function (SIFT, PolyPhen-2, Align-GVGD) all suggest that this variant is likely to be disruptive, but these predictions have not been confirmed by published functional studies and their clinical significance is uncertain. This variant has not been reported in the literature in individuals with ADAMTS13-related conditions.